The following is an entry in ClinVar:

ClinVar aggregate classification (germline): Likely benign (1 of 4 stars; one submission).

Submission:

CeGaT Center for Human Genetics Tuebingen
Classification: Likely benign. Last evaluated: 2025-03-01. Review status: criteria provided, single submitter. Criteria: CeGaT Center For Human Genetics Tuebingen Variant Classification Criteria Version 2. Collection method: clinical testing. Allele origin: germline. Affected: yes. Observed: 1 variant allele.
Comment: NBPF12: BP4, BP7

Single allele

Gene: NBPF12 (NBPF member 12; plus strand). Cytogenetic location: 1q21.1.
Variant type: single nucleotide variant.
Identifiers: ClinVar variation 3778078 (VCV003778078.4).